The following is an entry in ClinVar:

NM_004656.4(BAP1):c.1257G>T (p.Lys419Asn)

Gene: BAP1 (BRCA1 associated deubiquitinase 1; minus strand). Cytogenetic location: 3p21.1.
Variant type: single nucleotide variant.
Coding change: c.1257G>T on transcript NM_004656.4 (MANE Select); coding-DNA position 1257, G replaced by T.
Protein change: p.Lys419Asn; replaces lysine 419 with asparagine.
Molecular consequence: missense variant.
Genome position (GRCh38, 1-based): chr3:52,403,888, C>A on the plus strand (G>T on the coding strand, the complement: BAP1 is on the minus strand). VCF-style: chr3-52403888-C-A. GRCh37 (hg19) VCF-style: chr3-52437904-C-A.
Other names: short protein forms K419N.
Identifiers: ClinVar variation 582860 (VCV000582860.6), dbSNP rs1437342810, ClinGen allele CA353102514.

ClinVar aggregate classification (germline): Uncertain significance (1 of 4 stars; one submission).

Conditions:
BAP1-related tumor predisposition syndrome (TPDS1). Also called: BAP1 tumor predisposition syndrome; COMMON Syndrome; TUMOR PREDISPOSITION SYNDROME 1; Tumor susceptibility linked to germline BAP1 mutations. Identifiers: Orphanet 289539, MedGen C3280492, MONDO:0013692, OMIM 614327.

Submission:

Labcorp Genetics (formerly Invitae), Labcorp
Classification: Uncertain significance for BAP1-related tumor predisposition syndrome. Last evaluated: 2018-02-06. Review status: criteria provided, single submitter. Criteria: Invitae Variant Classification Sherloc (09022015). Collection method: clinical testing. Allele origin: germline.
Comment: In summary, the available evidence is currently insufficient to determine the role of this variant in disease. Therefore, it has been classified as a Variant of Uncertain Significance. This variant has not been reported in the literature in individuals with BAP1-related disease. This variant is not present in population databases (ExAC no frequency). This sequence change replaces lysine with asparagine at codon 419 of the BAP1 protein (p.Lys419Asn). The lysine residue is moderately conserved and there is a moderate physicochemical difference between lysine and asparagine. Algorithms developed to predict the effect of missense changes on protein structure and function do not agree on the potential impact of this missense change (SIFT: "Deleterious"; PolyPhen-2: "Benign"; Align-GVGD: "Class C0").